The following is an entry in ClinVar:

NM_014975.3(MAST1):c.4176G>C (p.Gln1392His)

Gene: MAST1 (microtubule associated serine/threonine kinase 1; plus strand). Cytogenetic location: 19p13.13.
Variant type: single nucleotide variant.
Coding change: c.4176G>C on transcript NM_014975.3 (MANE Select); coding-DNA position 4176, G replaced by C.
Protein change: p.Gln1392His; replaces glutamine 1392 with histidine.
Molecular consequence: missense variant.
Genome position (GRCh38, 1-based): chr19:12,874,333, G>C. VCF-style: chr19-12874333-G-C. GRCh37 (hg19) VCF-style: chr19-12985147-G-C.
Other names: c.4176G>C (NM_014975.2); short protein forms Q1392H.
Identifiers: ClinVar variation 2142502 (VCV002142502.5), dbSNP rs767536510, ClinGen allele CA404290500.

ClinVar aggregate classification (germline): Uncertain significance. Review status: criteria provided, multiple submitters, no conflicts (2 of 4 stars). 2 submissions from 2 submitters: Uncertain significance (2). Last evaluated 2023-08-04.

Conditions:
MAST1-related disorder. Also called: MAST1-related condition.

gnomAD v4.1: 1 of 1,596,932 alleles (0.000063%); no homozygotes.

Submissions (2):

Labcorp Genetics (formerly Invitae), Labcorp
Classification: Uncertain significance. Last evaluated: 2023-08-04. Review status: criteria provided, single submitter. Criteria: Invitae Variant Classification Sherloc (09022015). Collection method: clinical testing. Allele origin: germline.
Comment: An algorithm developed to predict the effect of missense changes on protein structure and function (PolyPhen-2) suggests that this variant is likely to be disruptive. In summary, the available evidence is currently insufficient to determine the role of this variant in disease. Therefore, it has been classified as a Variant of Uncertain Significance. This sequence change replaces glutamine, which is neutral and polar, with histidine, which is basic and polar, at codon 1392 of the MAST1 protein (p.Gln1392His). This variant is not present in population databases (gnomAD no frequency). This variant has not been reported in the literature in individuals affected with MAST1-related conditions. ClinVar contains an entry for this variant (Variation ID: 2142502).

PreventionGenetics, part of Exact Sciences
Classification: Uncertain significance for MAST1-related condition. Last evaluated: 2023-07-17. Review status: criteria provided, single submitter. Criteria: ACMG Guidelines, 2015. Collection method: clinical testing. Allele origin: germline.
Comment: The MAST1 c.4176G>C variant is predicted to result in the amino acid substitution p.Gln1392His. To our knowledge, this variant has not been reported in the literature. This variant is reported in 0.0010% of alleles in individuals of European (Non-Finnish) descent in gnomAD. At this time, the clinical significance of this variant is uncertain due to the absence of conclusive functional and genetic evidence.